The following is an entry in ClinVar:

NM_000632.4(ITGAM):c.2429G>A (p.Gly810Asp)

Gene: ITGAM (integrin subunit alpha M; plus strand). Cytogenetic location: 16p11.2.
Variant type: single nucleotide variant.
Coding change: c.2429G>A on transcript NM_000632.4 (MANE Select); coding-DNA position 2429, G replaced by A.
Protein change: p.Gly810Asp; replaces glycine 810 with aspartic acid.
Molecular consequence: missense variant.
Genome position (GRCh38, 1-based): chr16:31,325,328, G>A. VCF-style: chr16-31325328-G-A. GRCh37 (hg19) VCF-style: chr16-31336649-G-A.
Other names: c.2432G>A, p.Gly811Asp (NM_001145808.2); c.2429G>A (NM_000632.3); short protein forms G810D, G811D.
Identifiers: ClinVar variation 2142207 (VCV002142207.5), dbSNP rs753577495, ClinGen allele CA8025821.

ClinVar aggregate classification (germline): Uncertain significance. Review status: criteria provided, multiple submitters, no conflicts (2 of 4 stars). 2 submissions from 2 submitters: Uncertain significance (2). Last evaluated 2025-06-20.

Allele frequency attached by ClinVar (database versions not stated): ExAC 0.00001; gnomAD exomes 0.00001; TOPMed 0.00001; gnomAD 0.00002.
gnomAD v4.1: 15 of 1,613,822 alleles (0.00093%); highest among the groups gnomAD compares: Non-Finnish European, 0.0011%; no homozygotes.

Submissions (2):

Labcorp Genetics (formerly Invitae), Labcorp
Classification: Uncertain significance. Last evaluated: 2025-06-20. Review status: criteria provided, single submitter. Criteria: Invitae Variant Classification Sherloc (09022015). Collection method: clinical testing. Allele origin: germline.
Comment: This sequence change replaces glycine, which is neutral and non-polar, with aspartic acid, which is acidic and polar, at codon 810 of the ITGAM protein (p.Gly810Asp). This variant is present in population databases (rs753577495, gnomAD 0.002%). This variant has not been reported in the literature in individuals affected with ITGAM-related conditions. ClinVar contains an entry for this variant (Variation ID: 2142207). An algorithm developed to predict the effect of missense changes on protein structure and function (PolyPhen-2) suggests that this variant is likely to be disruptive. In summary, the available evidence is currently insufficient to determine the role of this variant in disease. Therefore, it has been classified as a Variant of Uncertain Significance.

Ambry Genetics
Classification: Uncertain significance. Last evaluated: 2025-01-18. Review status: criteria provided, single submitter. Criteria: Ambry Variant Classification Scheme 2023. Collection method: clinical testing. Allele origin: germline.